The following is an entry in ClinVar:

ClinVar aggregate classification (germline): Benign/Likely benign. Review status: criteria provided, multiple submitters, no conflicts (2 of 4 stars). 2 submissions from 2 submitters: Benign (1); Likely benign (1). Last evaluated 2025-11-01.

Conditions:
T-B+ severe combined immunodeficiency due to JAK3 deficiency. Also called: SCID, T CELL-NEGATIVE, B CELL-POSITIVE, NK CELL-NEGATIVE; SCID, autosomal recessive, T-negative/B-positive type. Identifiers: Orphanet 35078, MedGen C1833275, MONDO:0010938, OMIM 600802.

Allele frequency attached by ClinVar (database versions not stated): gnomAD 0.00001; TOPMed 0.00002; ExAC 0.00003; gnomAD exomes 0.00003 and 0.00005.

Submissions (2):

Labcorp Genetics (formerly Invitae), Labcorp
Classification: Likely benign for T-B+ severe combined immunodeficiency due to JAK3 deficiency. Last evaluated: 2025-11-01. Review status: criteria provided, single submitter. Criteria: Invitae Variant Classification Sherloc (09022015). Collection method: clinical testing. Allele origin: germline.

GeneDx
Classification: Benign. Last evaluated: 2014-02-13. Review status: criteria provided, single submitter. Criteria: GeneDx Variant Classification (06012015). Collection method: clinical testing. Allele origin: germline. Affected: yes.
Comment: This variant is considered likely benign or benign based on one or more of the following criteria: it is a conservative change, it occurs at a poorly conserved position in the protein, it is predicted to be benign by multiple in silico algorithms, and/or has population frequency not consistent with disease.

NM_000215.4(JAK3):c.2978+15C>T

Gene: JAK3 (Janus kinase 3; minus strand). Cytogenetic location: 19p13.11.
Variant type: single nucleotide variant.
Coding change: c.2978+15C>T on transcript NM_000215.4 (MANE Select); 15 bases into the intron after coding-DNA position 2978, C replaced by T.
Molecular consequence: intron variant.
Genome position (GRCh38, 1-based): chr19:17,831,213, G>A on the plus strand (C>T on the coding strand, the complement: JAK3 is on the minus strand). VCF-style: chr19-17831213-G-A. GRCh37 (hg19) VCF-style: chr19-17942022-G-A.
Identifiers: ClinVar variation 137598 (VCV000137598.8), dbSNP rs587780955, ClinGen allele CA291257.